The following is an entry in ClinVar:

NM_012453.4(TBL2):c.996C>T (p.Ala332=)

Gene: TBL2 (transducin beta like 2; minus strand). Cytogenetic location: 7q11.23.
Variant type: single nucleotide variant.
Coding change: c.996C>T on transcript NM_012453.4 (MANE Select); coding-DNA position 996, C replaced by T.
Protein change: p.Ala332=; no amino-acid change (alanine 332 retained).
Molecular consequence: synonymous variant.
Genome position (GRCh38, 1-based): chr7:73,570,855, G>A on the plus strand (C>T on the coding strand, the complement: TBL2 is on the minus strand). VCF-style: chr7-73570855-G-A. GRCh37 (hg19) VCF-style: chr7-72985185-G-A.
Other names: c.897C>T, p.Ala299= (NM_001362660.2); c.501C>T, p.Ala167= (NM_001362661.2, NM_001362662.2, NM_001362663.2).
Identifiers: ClinVar variation 771724 (VCV000771724.37), dbSNP rs146437532, ClinGen allele CA4288481.
Genomic context (GRCh38, chr7:73,570,855, plus strand): 5'-ACTGCCACTGGCCAAGGCCAAGACCTGGGCGTTGGGGGAGAGGGCCAGGCGGCACGGCGC[G>A]GCACCCGCCGCCTCTTCAAAGCGGCCTGTCTTCAGCAAGTAGGGGTCCTGCTTCTTCTTG-3'
Protein context (NP_036585.1, residues 322-342): KTGRFEEAAG[Ala332=]APCRLALSPN

ClinVar aggregate classification (germline): Benign/Likely benign. Review status: criteria provided, multiple submitters, no conflicts (2 of 4 stars). 3 submissions from 3 submitters: Benign (2); Likely benign (1). Last evaluated 2026-09-01.

Allele frequency attached by ClinVar (database versions not stated): 1000 Genomes Project 30x 0.00265; 1000 Genomes Project 0.00280; ESP Exome Variant Server 0.00469; ExAC 0.00471; gnomAD exomes 0.00472 and 0.00668; gnomAD 0.00534 and 0.00555; TOPMed 0.00630.
gnomAD v4.1: 10,566 of 1,613,702 alleles (0.65%); highest among the groups gnomAD compares: Admixed American, 1%; 53 homozygotes.

Submissions (3):

CeGaT Center for Human Genetics Tuebingen
Classification: Benign. Last evaluated: 2026-09-01. Review status: criteria provided, single submitter. Criteria: CeGaT Center For Human Genetics Tuebingen Variant Classification Criteria Version 2. Collection method: clinical testing. Allele origin: germline. Affected: yes. Observed: 13 variant alleles.
Comment: TBL2: BP4, BP7, BS1, BS2

Labcorp Genetics (formerly Invitae), Labcorp
Classification: Benign. Last evaluated: 2018-06-26. Review status: criteria provided, single submitter. Criteria: Invitae Variant Classification Sherloc (09022015). Collection method: clinical testing. Allele origin: germline.

Breakthrough Genomics
Classification: Likely benign. Review status: criteria provided, single submitter. Criteria: ACMG Guidelines, 2015. Collection method: not provided. Allele origin: germline. Inheritance: Unknown mechanism. Affected: yes.